The following is an entry in ClinVar:

ClinVar aggregate classification (germline): Uncertain significance. Review status: criteria provided, multiple submitters, no conflicts (2 of 4 stars). 7 submissions from 7 submitters: Uncertain significance (6). 1 of the submissions does not count toward it. Last evaluated 2024-03-08.

Conditions:
Isovaleryl-CoA dehydrogenase deficiency (IVA). Also called: Isovaleric acidemia; Classic Isovaleric Acidemia; ISOVALERIC ACID CoA DEHYDROGENASE DEFICIENCY; IVD DEFICIENCY. Identifiers: Orphanet 33, MedGen C0268575, MONDO:0009475, OMIM 243500.

Allele frequency attached by ClinVar (database versions not stated): gnomAD 0.00006 and 0.00013; gnomAD exomes 0.00007 and 0.00014; TOPMed 0.00010; 1000 Genomes Project 30x 0.00016; ExAC 0.00017; 1000 Genomes Project 0.00020.

Submissions (7):

Blueprint Genetics
Classification: Uncertain significance. Last evaluated: 2024-03-08. Review status: criteria provided, single submitter. Criteria: ACMG Guidelines, 2015. Collection method: clinical testing. Allele origin: germline.

Women's Health and Genetics/Laboratory Corporation of America, LabCorp
Classification: Uncertain significance. Last evaluated: 2024-01-15. Review status: criteria provided, single submitter. Criteria: LabCorp Variant Classification Summary - May 2015. Collection method: clinical testing. Allele origin: germline.
Comment: Variant summary: IVD c.490A>G (p.Met164Val) results in a conservative amino acid change in the encoded protein sequence. Four of five in-silico tools predict a damaging effect of the variant on protein function. The variant allele was found at a frequency of 0.00014 in 251490 control chromosomes. This frequency is not significantly higher than estimated for a pathogenic variant in IVD causing Isovaleryl-CoA Dehydrogenase Deficiency (0.00014 vs 0.0022), allowing no conclusion about variant significance. c.490A>G has been reported in the literature in at least one compound heterozygous individual affected with Isovaleric acidemia (e.g. Lin_2020). These report(s) do not provide unequivocal conclusions about association of the variant with Isovaleryl-CoA Dehydrogenase Deficiency. To our knowledge, no experimental evidence demonstrating an impact on protein function has been reported. The following publication has been ascertained in the context of this evaluation (PMID: 32505769). ClinVar contains an entry for this variant (Variation ID: 855170). Based on the evidence outlined above, the variant was classified as uncertain significance.

Labcorp Genetics (formerly Invitae), Labcorp
Classification: Uncertain significance for Isovaleryl-CoA dehydrogenase deficiency. Last evaluated: 2022-07-19. Review status: criteria provided, single submitter. Criteria: Invitae Variant Classification Sherloc (09022015). Collection method: clinical testing. Allele origin: germline.
Comment: This sequence change replaces methionine, which is neutral and non-polar, with valine, which is neutral and non-polar, at codon 167 of the IVD protein (p.Met167Val). This variant is present in population databases (rs574434706, gnomAD 0.1%). This missense change has been observed in individual(s) with a positive newborn screening result for IVD-related disease (PMID: 32505769). ClinVar contains an entry for this variant (Variation ID: 855170). Algorithms developed to predict the effect of missense changes on protein structure and function are either unavailable or do not agree on the potential impact of this missense change (SIFT: "Deleterious"; PolyPhen-2: "Possibly Damaging"; Align-GVGD: "Class C15"). Algorithms developed to predict the effect of sequence changes on RNA splicing suggest that this variant may create or strengthen a splice site. This variant disrupts the p.Met167 amino acid residue in IVD. Other variant(s) that disrupt this residue have been determined to be pathogenic (PMID: 26018748, 27904153, 31707166). This suggests that this residue is clinically significant, and that variants that disrupt this residue are likely to be disease-causing. In summary, the available evidence is currently insufficient to determine the role of this variant in disease. Therefore, it has been classified as a Variant of Uncertain Significance.

3billion
Classification: Uncertain significance for Isovaleryl-CoA dehydrogenase deficiency. Last evaluated: 2022-03-22. Review status: criteria provided, single submitter. Criteria: ACMG Guidelines, 2015. Collection method: clinical testing. Allele origin: germline. Affected: yes. Observed: 1 heterozygote.
Comment: Different pathogenic/likely pathogenic amino acid change has been reported with supporting evidence at the same codon (PMID:26018748). In silico tool predictions suggest damaging effect of the variant on gene or gene product (REVEL: 0.929>=0.6, 3CNET: 0.938>=0.75). The variant is observed at an extremely low frequency in the gnomAD v2.1.1 dataset (total allele frequency: 0.0001427). Therefore, this variant is classified as uncertain significance according to the recommendation of ACMG/AMP guideline.

Illumina Laboratory Services, Illumina
Classification: Uncertain significance for Isovaleryl-CoA dehydrogenase deficiency. Last evaluated: 2018-01-13. Review status: criteria provided, single submitter. Criteria: ICSL Variant Classification Criteria 13 December 2019. Collection method: clinical testing. Allele origin: germline.

Juno Genomics, Hangzhou Juno Genomics, Inc
Classification: Uncertain significance for Isovaleryl-CoA dehydrogenase deficiency. Review status: criteria provided, single submitter. Criteria: ACMG Guidelines, 2015. Collection method: clinical testing. Allele origin: germline.
Comment: Absent from controls (or at extremely low frequency if recessive) in Genome Aggregation Database.;Multiple lines of computational evidence support a deleterious effect on the gene or gene product.

Natera, Inc.
Classification: Uncertain significance for Isovaleryl-coa dehydrogenase deficiency. Last evaluated: 2018-06-23. Review status: no assertion criteria provided. Collection method: clinical testing. Allele origin: germline. Not counted in ClinVar's aggregate classification.

Literature cited by the submitters: PubMed 32505769 (cited by 3 submitters); PubMed 26018748 (cited by Labcorp Genetics (formerly Invitae), Labcorp and 3billion); PubMed 27904153 (cited by Labcorp Genetics (formerly Invitae), Labcorp); PubMed 31707166 (cited by Labcorp Genetics (formerly Invitae), Labcorp).

NM_002225.5(IVD):c.490A>G (p.Met164Val)

Gene: IVD (isovaleryl-CoA dehydrogenase; plus strand). Cytogenetic location: 15q15.1.
Variant type: single nucleotide variant.
Coding change: c.490A>G on transcript NM_002225.5 (MANE Select); coding-DNA position 490, A replaced by G.
Protein change: p.Met164Val; replaces methionine 164 with valine.
Molecular consequence: missense variant. On other transcripts: non-coding transcript variant (1).
Genome position (GRCh38, 1-based): chr15:40,411,293, A>G. VCF-style: chr15-40411293-A-G. GRCh37 (hg19) VCF-style: chr15-40703492-A-G.
Other names: c.400A>G, p.Met134Val (NM_001159508.3); c.442A>G, p.Met148Val (NM_001354597.3); c.490A>G, p.Met164Val (NM_001354598.3, NM_001354601.3); c.577A>G, p.Met193Val (NM_001354599.3, NM_001354600.3); short protein forms M134V, M148V, M164V, M193V.
Identifiers: ClinVar variation 855170 (VCV000855170.12), dbSNP rs574434706, ClinGen allele CA7480653.